The following is an entry in ClinVar:

NM_001122681.2(SH3BP2):c.1589G>T (p.Ser530Ile)

Gene: SH3BP2 (SH3 domain binding protein 2; plus strand). Cytogenetic location: 4p16.3.
Variant type: single nucleotide variant.
Coding change: c.1589G>T on transcript NM_001122681.2 (MANE Select); coding-DNA position 1589, G replaced by T.
Protein change: p.Ser530Ile; replaces serine 530 with isoleucine.
Molecular consequence: missense variant.
Genome position (GRCh38, 1-based): chr4:2,833,737, G>T. VCF-style: chr4-2833737-G-T. GRCh37 (hg19) VCF-style: chr4-2835464-G-T.
Other names: c.1673G>T, p.Ser558Ile (NM_001145855.2); c.1760G>T, p.Ser587Ile (NM_001145856.2); c.1589G>T, p.Ser530Ile (NM_003023.4); short protein forms S587I, S558I, S530I.
Identifiers: ClinVar variation 1985836 (VCV001985836.4), dbSNP rs767878434, ClinGen allele CA2819640.

ClinVar aggregate classification (germline): Uncertain significance (1 of 4 stars; one submission).

Conditions:
Fibrous dysplasia of jaw (CRBM). Also called: Cherubism. Identifiers: Orphanet 184, MedGen C0008029, MONDO:0007315, OMIM 118400.

Allele frequency attached by ClinVar (database versions not stated): ExAC 0.00001; gnomAD 0.00001; gnomAD exomes 0.00001; TOPMed 0.00002.
gnomAD v4.1: 15 of 1,609,248 alleles (0.00093%); highest among the groups gnomAD compares: African/African-American, 0.0013%; no homozygotes.

Submission:

Labcorp Genetics (formerly Invitae), Labcorp
Classification: Uncertain significance for Fibrous dysplasia of jaw. Last evaluated: 2023-03-08. Review status: criteria provided, single submitter. Criteria: Invitae Variant Classification Sherloc (09022015). Collection method: clinical testing. Allele origin: germline.
Comment: This sequence change replaces serine, which is neutral and polar, with isoleucine, which is neutral and non-polar, at codon 530 of the SH3BP2 protein (p.Ser530Ile). This variant is present in population databases (rs767878434, gnomAD 0.004%). This variant has not been reported in the literature in individuals affected with SH3BP2-related conditions. ClinVar contains an entry for this variant (Variation ID: 1985836). Advanced modeling of protein sequence and biophysical properties (such as structural, functional, and spatial information, amino acid conservation, physicochemical variation, residue mobility, and thermodynamic stability) performed at Invitae indicates that this missense variant is not expected to disrupt SH3BP2 protein function. In summary, the available evidence is currently insufficient to determine the role of this variant in disease. Therefore, it has been classified as a Variant of Uncertain Significance.